The following is an entry in ClinVar:

ClinVar aggregate classification (germline): Conflicting classifications of pathogenicity. Review status: criteria provided, conflicting classifications (1 of 4 stars). 4 submissions from 4 submitters: Uncertain significance (3); Likely benign (1). Last evaluated 2025-05-06.

Conditions:
Charcot-Marie-Tooth disease dominant intermediate B (CMTDIB). Also called: CHARCOT-MARIE-TOOTH NEUROPATHY, DOMINANT INTERMEDIATE B; Charcot-Marie-Tooth disease dominant intermediate 1; CMT DI1; Charcot-Marie-Tooth disease dominant intermediate I. Identifiers: Orphanet 100044, Orphanet 228179, MedGen C1847902, MONDO:0011674, OMIM 606482.

Allele frequency attached by ClinVar (database versions not stated): TOPMed below 0.00001; gnomAD 0.00001; ExAC 0.00002; gnomAD exomes 0.00002.
gnomAD v4.1: 27 of 1,613,752 alleles (0.0017%); highest among the groups gnomAD compares: South Asian, 0.0033%; no homozygotes.

Submissions (4):

Athena Diagnostics
Classification: Uncertain significance. Last evaluated: 2025-05-06. Review status: criteria provided, single submitter. Criteria: Athena Diagnostics Criteria. Collection method: clinical testing. Allele origin: unknown.
Comment: Available data are insufficient to determine the clinical significance of the variant at this time. The frequency of this variant in the general population is uninformative in assessment of its pathogenicity. Polyphen and MutationTaster predict this amino acid change may be benign.

Labcorp Genetics (formerly Invitae), Labcorp
Classification: Likely benign for Charcot-Marie-Tooth disease dominant intermediate B. Last evaluated: 2024-10-29. Review status: criteria provided, single submitter. Criteria: Invitae Variant Classification Sherloc (09022015). Collection method: clinical testing. Allele origin: germline.

Revvity Omics, Revvity
Classification: Uncertain significance. Last evaluated: 2020-08-12. Review status: criteria provided, single submitter. Criteria: ACMG Guidelines, 2015. Collection method: clinical testing. Allele origin: germline.

Breakthrough Genomics
Classification: Uncertain significance. Review status: criteria provided, single submitter. Criteria: ACMG Guidelines, 2015. Collection method: not provided. Allele origin: germline. Inheritance: Autosomal recessive inheritance. Affected: yes.

NM_001005361.3(DNM2):c.2105C>T (p.Ser702Leu)

Gene: DNM2 (dynamin 2; plus strand). Cytogenetic location: 19p13.2.
Variant type: single nucleotide variant.
Coding change: c.2105C>T on transcript NM_001005361.3 (MANE Select); coding-DNA position 2105, C replaced by T.
Protein change: p.Ser702Leu; replaces serine 702 with leucine.
Molecular consequence: missense variant.
Genome position (GRCh38, 1-based): chr19:10,829,082, C>T. VCF-style: chr19-10829082-C-T. GRCh37 (hg19) VCF-style: chr19-10939758-C-T.
Other names: c.2105C>T, p.Ser702Leu (NM_001005360.3, NM_001190716.2); c.2093C>T, p.Ser698Leu (NM_001005362.3, NM_004945.4); short protein forms S702L, S698L.
Identifiers: ClinVar variation 575348 (VCV000575348.16), dbSNP rs745382488, ClinGen allele CA9201524.